The following is an entry in ClinVar:

NM_030667.3(PTPRO):c.1733C>T (p.Thr578Ile)

Gene: PTPRO (protein tyrosine phosphatase receptor type O; plus strand). Cytogenetic location: 12p12.3.
Variant type: single nucleotide variant.
Coding change: c.1733C>T on transcript NM_030667.3 (MANE Select); coding-DNA position 1733, C replaced by T.
Protein change: p.Thr578Ile; replaces threonine 578 with isoleucine.
Molecular consequence: missense variant.
Genome position (GRCh38, 1-based): chr12:15,516,910, C>T. VCF-style: chr12-15516910-C-T. GRCh37 (hg19) VCF-style: chr12-15669844-C-T.
Other names: c.1733C>T, p.Thr578Ile (NM_002848.4); short protein forms T578I.
Identifiers: ClinVar variation 1028900 (VCV001028900.1), dbSNP rs1942611245, ClinGen allele CA384032998.

ClinVar aggregate classification (germline): Uncertain significance (1 of 4 stars; one submission).

Conditions:
Nephrotic syndrome, type 6 (NPHS6). Identifiers: Orphanet 656, MedGen C3280100, MONDO:0013619, OMIM 614196.

Allele frequency attached by ClinVar (database versions not stated): gnomAD exomes below 0.00001.
gnomAD v4.1: 4 of 1,613,950 alleles (0.00025%); highest among the groups gnomAD compares: Non-Finnish European, 0.00034%; no homozygotes.

Submission:

Baylor Genetics
Classification: Uncertain significance for Nephrotic syndrome, type 6. Last evaluated: 2020-05-05. Review status: criteria provided, single submitter. Criteria: ACMG Guidelines, 2015. Collection method: clinical testing. Allele origin: unknown. Affected: yes.
Comment: This variant was determined to be of uncertain significance according to ACMG Guidelines, 2015 [PMID:25741868].